The following is an entry in ClinVar:

NM_000090.4(COL3A1):c.517C>G (p.Pro173Ala)

Gene: COL3A1 (collagen type III alpha 1 chain; plus strand). Cytogenetic location: 2q32.2.
Variant type: single nucleotide variant.
Coding change: c.517C>G on transcript NM_000090.4 (MANE Select); coding-DNA position 517, C replaced by G.
Protein change: p.Pro173Ala; replaces proline 173 with alanine.
Molecular consequence: missense variant.
Genome position (GRCh38, 1-based): chr2:188,987,128, C>G. VCF-style: chr2-188987128-C-G. GRCh37 (hg19) VCF-style: chr2-189851854-C-G.
Other names: short protein forms P173A.
Identifiers: ClinVar variation 2413006 (VCV002413006.3), dbSNP rs2469111523, ClinGen allele CA349848175.

ClinVar aggregate classification (germline): Uncertain significance. Review status: criteria provided, multiple submitters, no conflicts (2 of 4 stars). 2 submissions from 2 submitters: Uncertain significance (2). Last evaluated 2023-03-04.

Conditions:
Ehlers-Danlos syndrome, type 4 (EDSVASC). Also called: Ehlers-Danlos syndrome vascular type; Ehlers Danlos syndrome, ecchymotic type; Ehlers Danlos syndrome, arterial type; Ehlers Danlos syndrome, Sack-Barabas type; Ehlers-Danlos Syndrome Type IV. Identifiers: Orphanet 286, MedGen C0268338, MONDO:0017314, OMIM 130050.

Allele frequency attached by ClinVar (database versions not stated): gnomAD exomes below 0.00001.
gnomAD v4.1: 4 of 1,611,962 alleles (0.00025%); highest among the groups gnomAD compares: Non-Finnish European, 0.00025%; no homozygotes.

Submissions (2):

All of Us Research Program, National Institutes of Health
Classification: Uncertain significance for Ehlers-Danlos syndrome, type 4. Last evaluated: 2023-03-04. Review status: criteria provided, single submitter. Criteria: ACMG Guidelines, 2015. Collection method: clinical testing. Allele origin: germline. Inheritance: Autosomal dominant inheritance. Observed: 1 variant allele, 1 heterozygote.
Comment: This study involves interpretation of variants in research participants for the purpose of population health screening. Participant phenotype was not available at the time of variant classification. Additional details can be found in publication PMID: 35346344, PMCID: PMC8962531

GeneDx
Classification: Uncertain significance. Last evaluated: 2022-07-28. Review status: criteria provided, single submitter. Criteria: GeneDx Variant Classification Process June 2021. Collection method: clinical testing. Allele origin: germline. Affected: yes.
Comment: Occurs in the triple helical domain at the Y position in the canonical Gly-X-Y repeat; although this variant may have an effect on normal protein folding and function, missense substitution at the Y position is not a common mechanism of disease (HGMD); In silico analysis supports that this missense variant has a deleterious effect on protein structure/function; Not observed at significant frequency in large population cohorts (gnomAD); Has not been previously published as pathogenic or benign to our knowledge